The following is an entry in ClinVar:

ClinVar aggregate classification (germline): Uncertain significance. Review status: criteria provided, multiple submitters, no conflicts (2 of 4 stars). 2 submissions from 2 submitters: Uncertain significance (2). Last evaluated 2026-09-17.

Conditions:
WNK1-related disorder. Also called: WNK1-related condition.
Neuropathy, hereditary sensory and autonomic, type 2A (HSAN2A). Also called: HSAN IIA; WNK1-Related HSAN2 (HSAN2A); MORVAN DISEASE; NEUROPATHY, CONGENITAL SENSORY; NEUROPATHY, HEREDITARY SENSORY RADICULAR, AUTOSOMAL RECESSIVE; NEUROPATHY, HEREDITARY SENSORY, TYPE IIA. Identifiers: Orphanet 970, MedGen C2752089, MONDO:0024309, OMIM 201300.
Pseudohypoaldosteronism type 2C (PHA2C). Also called: Pseudohypoaldosteronism Type IIC. Identifiers: Orphanet 757, Orphanet 88940, MedGen C1840391, MONDO:0013778, OMIM 614492.

Allele frequency attached by ClinVar (database versions not stated): TOPMed below 0.00001; gnomAD 0.00001; gnomAD exomes 0.00001; ExAC 0.00004.
gnomAD v4.1: 9 of 1,613,794 alleles (0.00056%); highest among the groups gnomAD compares: Non-Finnish European, 0.00059%; no homozygotes.

Submissions (2):

PreventionGenetics, part of Exact Sciences
Classification: Uncertain significance for WNK1-related condition. Last evaluated: 2026-09-17. Review status: criteria provided, single submitter. Criteria: ACMG Guidelines, 2015. Collection method: clinical testing. Allele origin: germline.
Comment: The WNK1 c.2965G>A variant is predicted to result in the amino acid substitution p.Val989Ile. Of note, this variant can be referred to as c.2140-2574G>A with the kidney specific isoform, NM_018979. To our knowledge, this variant has not been reported in the literature. This variant is reported in 0.0047% of alleles in individuals of European (Non-Finnish) descent in gnomAD. At this time, the clinical significance of this variant is uncertain due to the absence of conclusive functional and genetic evidence.

Labcorp Genetics (formerly Invitae), Labcorp
Classification: Uncertain significance for Neuropathy, hereditary sensory and autonomic, type 2A; Pseudohypoaldosteronism type 2C. Last evaluated: 2024-02-08. Review status: criteria provided, single submitter. Criteria: Invitae Variant Classification Sherloc (09022015). Collection method: clinical testing. Allele origin: germline.
Comment: This sequence change replaces valine, which is neutral and non-polar, with isoleucine, which is neutral and non-polar, at codon 1074 of the WNK1 protein (p.Val1074Ile). This variant is present in population databases (rs772523479, gnomAD 0.005%). This variant has not been reported in the literature in individuals affected with WNK1-related conditions. Advanced modeling of protein sequence and biophysical properties (such as structural, functional, and spatial information, amino acid conservation, physicochemical variation, residue mobility, and thermodynamic stability) performed at Invitae indicates that this missense variant is not expected to disrupt WNK1 protein function with a negative predictive value of 95%. In summary, the available evidence is currently insufficient to determine the role of this variant in disease. Therefore, it has been classified as a Variant of Uncertain Significance.

NM_213655.5(WNK1):c.3220G>A (p.Val1074Ile)

Gene: WNK1 (WNK lysine deficient protein kinase 1; plus strand). Cytogenetic location: 12p13.33.
Variant type: single nucleotide variant.
Coding change: c.3220G>A on transcript NM_213655.5 (MANE Plus Clinical); coding-DNA position 3220, G replaced by A.
Protein change: p.Val1074Ile; replaces valine 1074 with isoleucine.
Molecular consequence: missense variant. On other transcripts: intron variant (2).
Genome position (GRCh38, 1-based): chr12:868,691, G>A. VCF-style: chr12-868691-G-A. GRCh37 (hg19) VCF-style: chr12-977857-G-A.
Other names: c.2965G>A, p.Val989Ile (NM_001184985.2); c.2140-2574G>A (NM_018979.4, NM_014823.3); c.2965G>A (NM_001184985.1); short protein forms V1074I, V989I.
Identifiers: ClinVar variation 2946381 (VCV002946381.4), dbSNP rs772523479, ClinGen allele CA6382315.